The following is an entry in ClinVar:

ClinVar aggregate classification (germline): Conflicting classifications of pathogenicity. Review status: criteria provided, conflicting classifications (1 of 4 stars). 2 submissions from 2 submitters: Likely pathogenic (1); Uncertain significance (1). Last evaluated 2026-10-11.

Conditions:
Spinocerebellar ataxia type 29 (SCA29). Also called: CEREBELLAR ATAXIA, CONGENITAL NONPROGRESSIVE, AUTOSOMAL DOMINANT; Spinocerebellar ataxia 29, congenital nonprogressive. Identifiers: Orphanet 208513, MedGen C1861732, MONDO:0007298, OMIM 117360.

Submissions (2):

GeneDx
Classification: Uncertain significance. Last evaluated: 2026-10-11. Review status: criteria provided, single submitter. Criteria: GeneDx Variant Classification Process June 2021. Collection method: clinical testing. Allele origin: germline.
Comment: Reported in an individual with nystagmus, hypotonia, ataxia, microcephaly, and renal hypoplasia (PMID: 37964426); Not observed at significant frequency in large population cohorts (gnomAD); In silico analysis supports that this missense variant has a deleterious effect on protein structure/function; This variant is associated with the following publications: (PMID: 37964426, Zhu2026[article])

Victorian Clinical Genetics Services, Murdoch Childrens Research Institute
Classification: Likely pathogenic for Spinocerebellar ataxia type 29. Last evaluated: 2024-09-19. Review status: criteria provided, single submitter. Criteria: ACMG Guidelines, 2015. Collection method: clinical testing. Allele origin: germline. Inheritance: Autosomal dominant inheritance. Affected: yes.
Comment: Based on the classification scheme VCGS_Germline_v1.3.4, this variant is classified as Likely pathogenic. Following criteria are met: 0103 - Loss of function and gain of function are known mechanisms of disease in this gene and are associated with spinocerebellar ataxia 29, congenital nonprogressive (MIM#117360), Gillespie syndrome (MIM#206700), and spinocerebellar ataxia 15 (MIM#606658). Missense variants have been reported to cause both loss and gain of function mechanisms (PMIDs: 28620721, 29925855, OMIM), while variants resulting in a truncated protein have been reported to cause loss of function only (PMID: 29925855). (I) 0108 - This gene is associated with both recessive and dominant disease. Only biallelic truncating variants have been reported for recessive Gillespie syndrome (MIM#206700) (PMID: 29925855), but otherwise there is no clear genotype-phenotype correlation regarding the location of a variant and its associated condition. (I) 0115 - Variants in this gene are known to have variable expressivity. Phenotypic variability has been shown in association with de novo ITPR1 ataxia (PMID: 29925855). (I) 0200 - Variant is predicted to result in a missense amino acid change from alanine to threonine. (I) 0251 - This variant is heterozygous. (I) 0301 - Variant is absent from gnomAD (both v2 and v3). (SP) 0501 - Missense variant consistently predicted to be damaging by multiple in silico tools or highly conserved with a major amino acid change. (SP) 0603 - Missense variant in a region that is highly intolerant to missense variation (high constraint region in DECIPHER). (SP) 0705 - No comparable missense variants have previous evidence for pathogenicity. (I) 0803 - This variant has limited previous evidence of pathogenicity in an unrelated individual. One individual with global developmental delay, nystagmus, microcephaly, hypotonia, renal, ataxia and aplasia/hypoplasia of the cerebellum has been reported (DECIPHER). While the inheritance was unknown, the variant was classified as likely pathogenic. (SP) 0905 - No published segregation evidence has been identified for this variant. (I) 1007 - No published functional evidence has been identified for this variant. (SP) Legend: (SP) - Supporting pathogenic, (I) - Information, (SB) - Supporting benign

Literature cited by the submitters: PubMed 28620721 (cited by Victorian Clinical Genetics Services, Murdoch Childrens Research Institute); PubMed 29925855 (cited by Victorian Clinical Genetics Services, Murdoch Childrens Research Institute).

NM_001378452.1(ITPR1):c.823G>A (p.Ala275Thr)

Gene: ITPR1 (inositol 1,4,5-trisphosphate receptor type 1; plus strand). Cytogenetic location: 3p26.1.
Variant type: single nucleotide variant.
Coding change: c.823G>A on transcript NM_001378452.1 (MANE Select); coding-DNA position 823, G replaced by A.
Protein change: p.Ala275Thr; replaces alanine 275 with threonine.
Molecular consequence: missense variant.
Genome position (GRCh38, 1-based): chr3:4,645,696, G>A. VCF-style: chr3-4645696-G-A. GRCh37 (hg19) VCF-style: chr3-4687380-G-A.
Other names: c.823G>A, p.Ala275Thr (NM_001099952.4, NM_001168272.2, NM_002222.7); short protein forms A275T.
Identifiers: ClinVar variation 3376847 (VCV003376847.3).
Genomic context (GRCh38, chr3:4,645,696, plus strand): 5'-GAACACAGGAAGAAGCAGCACGTCTTCCTGAGAACCACGGGCCGGCAGTCGGCCACATCT[G>A]CCACCAGTTCAAAAGCCCTGTGGGAGGTGGAGGTAAGGGTAGGGTGGAGAAAGGGCTCCT-3'
Protein context (NP_001365381.1, residues 265-285): RTTGRQSATS[Ala275Thr]TSSKALWEVE